The following is an entry in ClinVar:

NM_032816.5(CEP89):c.2072G>A (p.Arg691Gln)

Gene: CEP89 (centrosomal protein 89; minus strand). Cytogenetic location: 19q13.11.
Variant type: single nucleotide variant.
Coding change: c.2072G>A on transcript NM_032816.5 (MANE Select); coding-DNA position 2072, G replaced by A.
Protein change: p.Arg691Gln; replaces arginine 691 with glutamine.
Molecular consequence: missense variant.
Genome position (GRCh38, 1-based): chr19:32,881,907, C>T on the plus strand (G>A on the coding strand, the complement: CEP89 is on the minus strand). VCF-style: chr19-32881907-C-T. GRCh37 (hg19) VCF-style: chr19-33372813-C-T.
Other names: short protein forms R691Q.
Identifiers: ClinVar variation 1411776 (VCV001411776.6), dbSNP rs768641193, ClinGen allele CA9359089.
Genomic context (GRCh38, chr19:32,881,907, plus strand): 5'-TTCTGCTGCAGCGCCTGGTCCAGCACCTCCTGCTTGTCCTTCAGCACCTGGTGCAGGTGC[C>T]GCATCTCCTGCCGGTACTGGGCTGTCTTGCCGGCGAAGTCCTCCTGCTGCTCCAGCAGAC-3'
Protein context (NP_116205.3, residues 681-701): GKTAQYRQEM[Arg691Gln]HLHQVLKDKQ

ClinVar aggregate classification (germline): Uncertain significance (1 of 4 stars; one submission).

Allele frequency attached by ClinVar (database versions not stated): gnomAD 0.00001; gnomAD exomes 0.00001 and 0.00004; ExAC 0.00004; TOPMed 0.00005.
gnomAD v4.1: 16 of 1,605,940 alleles (0.001%); highest among the groups gnomAD compares: Admixed American, 0.0067%; no homozygotes.

Submission:

Labcorp Genetics (formerly Invitae), Labcorp
Classification: Uncertain significance. Last evaluated: 2025-10-01. Review status: criteria provided, single submitter. Criteria: Invitae Variant Classification Sherloc (09022015). Collection method: clinical testing. Allele origin: germline.
Comment: This sequence change replaces arginine, which is basic and polar, with glutamine, which is neutral and polar, at codon 691 of the CEP89 protein (p.Arg691Gln). This variant is present in population databases (rs768641193, gnomAD 0.01%). This variant has not been reported in the literature in individuals affected with CEP89-related conditions. ClinVar contains an entry for this variant (Variation ID: 1411776). An algorithm developed to predict the effect of missense changes on protein structure and function outputs the following: PolyPhen-2: "Benign". The glutamine amino acid residue is found in multiple mammalian species, which suggests that this missense change does not adversely affect protein function. In summary, the available evidence is currently insufficient to determine the role of this variant in disease. Therefore, it has been classified as a Variant of Uncertain Significance.